The following is an entry in ClinVar:

NM_000059.4(BRCA2):c.1855C>T (p.Gln619Ter)

Gene: BRCA2 (BRCA2 DNA repair associated; plus strand). Cytogenetic location: 13q13.1.
Variant type: single nucleotide variant.
Coding change: c.1855C>T on transcript NM_000059.4 (MANE Select); coding-DNA position 1855, C replaced by T.
Protein change: p.Gln619Ter; replaces glutamine 619 with a stop codon.
Molecular consequence: nonsense.
Genome position (GRCh38, 1-based): chr13:32,333,333, C>T. VCF-style: chr13-32333333-C-T. GRCh37 (hg19) VCF-style: chr13-32907470-C-T.
Other names: short protein forms Q619*.
Identifiers: ClinVar variation 51216 (VCV000051216.61), dbSNP rs80358476, ClinGen allele CA013627.

ClinVar aggregate classification (germline): Pathogenic. Review status: reviewed by expert panel (3 of 4 stars). 13 submissions from 13 submitters: Pathogenic (1). 12 of the submissions do not count toward it. Last evaluated 2016-09-08.

Conditions:
BRCA2-related disorder. Also called: BRCA2-related condition; BRCA2-related disorders. Identifiers: MedGen CN239275.
Hereditary cancer-predisposing syndrome. Also called: Hereditary Cancer Syndrome; Tumor predisposition; Neoplastic Syndromes, Hereditary; Hereditary neoplastic syndrome. Identifiers: Orphanet 140162, MedGen C0027672, MeSH D009386, MONDO:0015356.
Hereditary breast ovarian cancer syndrome. Also called: Breast and ovarian cancer; BRCA1- and BRCA2-Associated Hereditary Breast and Ovarian Cancer; Hereditary breast and ovarian cancer; Hereditary breast and ovarian cancer syndrome (HBOC); Hereditary breast and ovarian cancer syndrome; Hereditary breast and/or ovarian cancer syndrome. Identifiers: Orphanet 145, MedGen C0677776, MeSH D061325, MONDO:0003582. Disease mechanism: loss of function.
Breast-ovarian cancer, familial, susceptibility to, 2 (BROVCA2). Also called: BRCA2 Hereditary Breast and Ovarian Cancer. Identifiers: Orphanet 145, MedGen C2675520, MONDO:0012933, OMIM 612555. Disease mechanism: loss of function.

Allele frequency attached by ClinVar (database versions not stated): gnomAD exomes below 0.00001.
gnomAD v4.1: 1 of 1,608,098 alleles (0.000062%); highest among the groups gnomAD compares: South Asian, 0.0011%; no homozygotes.

Submissions (13):

Evidence-based Network for the Interpretation of Germline Mutant Alleles (ENIGMA)
Classification: Pathogenic for Breast-ovarian cancer, familial, susceptibility to, 2. Last evaluated: 2016-09-08. Review status: reviewed by expert panel. Criteria: ENIGMA BRCA1/2 Classification Criteria (2015). Collection method: curation. Allele origin: germline.
Comment: Variant allele predicted to encode a truncated non-functional protein.

GeneKor MSA
Classification: Pathogenic for Hereditary breast ovarian cancer syndrome. Last evaluated: 2025-06-25. Review status: criteria provided, single submitter. Criteria: ACMG Guidelines, 2015. Collection method: clinical testing. Allele origin: germline. Not counted in ClinVar's aggregate classification.
Comment: This is a single nucleotide substitution creating a premature translational stop signal at codon 619 of the BRCA2 protein p.(Gln619*). It is expected to result in an absent or disrupted protein product. Truncating variants in BRCA2 are known to be pathogenic (PMID:20104584). This genomic alteration is also known as 2083C>T. This variation is not present in population databases (rs80358476). This variant has been reported in the international literature in individuals affected with breast and ovarian cancer (PMID:16998791, 21559243, 29487695, 29470806, 33471991). The mutation database ClinVar contains entries for this variant where it is listed as pathogenic (VCV000051216.51). Based on the classification criteria set by the ACMG and AMP (PMID:25741868) this variant has been classified as pathogenic.

Ambry Genetics
Classification: Pathogenic for Hereditary cancer-predisposing syndrome. Last evaluated: 2025-06-13. Review status: criteria provided, single submitter. Criteria: Ambry Variant Classification Scheme 2023. Collection method: clinical testing. Allele origin: germline. Not counted in ClinVar's aggregate classification.
Comment: The p.Q619* pathogenic mutation (also known as c.1855C>T), located in coding exon 9 of the BRCA2 gene, results from a C to T substitution at nucleotide position 1855. This changes the amino acid from a glutamine to a stop codon within coding exon 9. This mutation has been identified in multiple hereditary breast and ovarian cancer (HBOC) families (Rashid MU et al. Int. J. Cancer, 2006 Dec;119:2832-9; Rebbeck TR et al. Hum Mutat 2018 May;39(5):593-620; Dorling et al. N Engl J Med. 2021 02;384:428-439; Lerner-Ellis J et al. J Cancer Res Clin Oncol, 2021 Mar;147:871-879). In addition to the clinical data presented in the literature, this alteration is expected to result in loss of function by premature protein truncation or nonsense-mediated mRNA decay. As such, this alteration is interpreted as a disease-causing mutation.

Labcorp Genetics (formerly Invitae), Labcorp
Classification: Pathogenic for Hereditary breast ovarian cancer syndrome. Last evaluated: 2024-08-02. Review status: criteria provided, single submitter. Criteria: Invitae Variant Classification Sherloc (09022015). Collection method: clinical testing. Allele origin: germline. Not counted in ClinVar's aggregate classification.
Comment: This sequence change creates a premature translational stop signal (p.Gln619*) in the BRCA2 gene. It is expected to result in an absent or disrupted protein product. Loss-of-function variants in BRCA2 are known to be pathogenic (PMID: 20104584). This variant is not present in population databases (gnomAD no frequency). This premature translational stop signal has been observed in individual(s) with breast and/or ovarian cancer (PMID: 16998791, 21559243, 29470806, 29487695). This variant is also known as 2083C>T. ClinVar contains an entry for this variant (Variation ID: 51216). Algorithms developed to predict the effect of sequence changes on RNA splicing suggest that this variant may disrupt the consensus splice site. For these reasons, this variant has been classified as Pathogenic.

Color Diagnostics, LLC DBA Color Health
Classification: Pathogenic for Hereditary cancer-predisposing syndrome. Last evaluated: 2021-09-01. Review status: criteria provided, single submitter. Criteria: ACMG Guidelines, 2015. Collection method: clinical testing. Allele origin: germline. Not counted in ClinVar's aggregate classification.
Comment: This variant changes 1 nucleotide in exon 10 of the BRCA2 gene, creating a premature translation stop signal. This variant has been identified in at least two individuals affected with breast and/or ovarian cancer (PMID: 16998791, 33471991; Leiden Open Variation Database DB-ID BRCA2_004289). This variant has not been identified in the general population by the Genome Aggregation Database (gnomAD). Loss of BRCA2 function is a known mechanism of disease. Based on the available evidence, this variant is classified as Pathogenic.

CeGaT Center for Human Genetics Tuebingen
Classification: Pathogenic. Last evaluated: 2020-07-01. Review status: criteria provided, single submitter. Criteria: CeGaT Center For Human Genetics Tuebingen Variant Classification Criteria Version 2. Collection method: clinical testing. Allele origin: germline. Affected: yes. Observed: 2 variant alleles. Not counted in ClinVar's aggregate classification.

GeneDx
Classification: Pathogenic. Last evaluated: 2018-10-11. Review status: criteria provided, single submitter. Criteria: GeneDx Variant Classification (06012015). Collection method: clinical testing. Allele origin: germline. Affected: yes. Not counted in ClinVar's aggregate classification.
Comment: This pathogenic variant is denoted BRCA2 c.1855C>T at the cDNA level and p.Gln619Ter (Q619X) at the protein level. The substitution creates a nonsense variant, which changes a Glutamine to a premature stop codon (CAG>TAG), and is predicted to cause loss of normal protein function through either protein truncation or nonsense-mediated mRNA decay. This variant, also published as BRCA2 2083C>T using alternate nomenclature, has been reported in at least one individual with breast cancer (Rashid 2006) and is considered pathogenic.

Quest Diagnostics Nichols Institute San Juan Capistrano
Classification: Pathogenic. Last evaluated: 2018-06-28. Review status: criteria provided, single submitter. Criteria: Quest Diagnostics criteria. Collection method: clinical testing. Allele origin: germline. Not counted in ClinVar's aggregate classification.

Women's Health and Genetics/Laboratory Corporation of America, LabCorp
Classification: Pathogenic for Hereditary breast ovarian cancer syndrome. Last evaluated: 2016-01-29. Review status: criteria provided, single submitter. Criteria: LabCorp Variant Classification Summary - May 2015. Collection method: clinical testing. Allele origin: germline. Not counted in ClinVar's aggregate classification.

Consortium of Investigators of Modifiers of BRCA1/2 (CIMBA), c/o University of Cambridge
Classification: Pathogenic for Breast-ovarian cancer, familial, susceptibility to, 2. Last evaluated: 2015-10-02. Review status: criteria provided, single submitter. Criteria: CIMBA Mutation Classification guidelines May 2016. Collection method: clinical testing. Allele origin: germline. Not counted in ClinVar's aggregate classification.

PreventionGenetics, part of Exact Sciences
Classification: Pathogenic for BRCA2-related condition. Last evaluated: 2024-09-25. Review status: no assertion criteria provided. Collection method: clinical testing. Allele origin: germline. Not counted in ClinVar's aggregate classification.
Comment: The BRCA2 c.1855C>T variant is predicted to result in premature protein termination (p.Gln619*). This variant was reported in individuals and families with breast and/or ovarian cancer (see for example: Rashid et al. 2006. PubMed ID: 16998791; Rebbeck et al. 2018. PubMed ID: 29446198; Lerner-Ellis et al. 2020. PubMed ID: 32885271). This variant has not been reported in a large population database, indicating this variant is rare. This variant is interpreted as pathogenic by many labs in ClinVar. Nonsense variants in BRCA2 are expected to be pathogenic. This variant is interpreted as pathogenic.

Breast Cancer Information Core (BIC) (BRCA2)
Classification: Pathogenic for Breast-ovarian cancer, familial 2. Last evaluated: 2002-05-29. Review status: no assertion criteria provided. Collection method: clinical testing. Allele origin: germline. Affected: yes. Observed: 2 variant alleles. Not counted in ClinVar's aggregate classification.

Department of Pathology and Laboratory Medicine, Sinai Health System
Classification: Pathogenic. Review status: no assertion criteria provided. Collection method: clinical testing. Allele origin: unknown. Affected: yes. Study: The Canadian Open Genetics Repository (COGR). Not counted in ClinVar's aggregate classification.
Comment: The BRCA2 p.Gln619X variant was not identified in the literature nor was it identified in the Cosmic, MutDB, UMD-LSDB, Zhejiang Colon Cancer Database, the 1000 Genomes Project, the NHLBI GO Exome Sequencing Project, the Exome Aggregation Consortium (August 8th 2016), or the Genome Aggregation Database (Feb 27, 2017). The variant was identified in dbSNP (ID: rs80358476) â€šÃ„ÃºWith Pathogenic alleleâ€šÃ„Ã¹, ClinVar (classified pathogenic, reviewed by an expert panel (2016); submitters: ENIGMA, GeneDx, CIMB, Invitae, Ambry Genetics and BIC), Clinvitae (4x), LOVD 3.0 (1x), BIC Database (2x with clinical importance, class 5), and ARUP Laboratories (5-definitely pathogenic). The c.1855C>T variant leads to a premature stop codon at position 619 which is predicted to lead to a truncated or absent protein and loss of function. Loss of function variants of the BRCA2 gene are an established mechanism of disease in hereditary breast and ovarian cancer and is the type of variant expected to cause the disorder. In summary, based on the above information this variant meets our laboratoryâ€šÃ„Ã´s criteria to be classified as pathogenic.

Literature cited by the submitters: PubMed 20104584 (cited by GeneKor MSA and Labcorp Genetics (formerly Invitae), Labcorp); PubMed 16998791 (cited by 5 submitters); PubMed 21559243 (cited by 3 submitters); PubMed 29487695 (cited by GeneKor MSA and Labcorp Genetics (formerly Invitae), Labcorp); PubMed 29470806 (cited by GeneKor MSA and Labcorp Genetics (formerly Invitae), Labcorp); PubMed 33471991 (cited by 3 submitters); PubMed 32885271 (cited by Ambry Genetics); PubMed 26187060 (cited by Women's Health and Genetics/Laboratory Corporation of America, LabCorp).